The following is an entry in ClinVar:

ClinVar aggregate classification (germline): Benign. Review status: reviewed by expert panel (3 of 4 stars). 11 submissions from 10 submitters: Benign (1). 10 of the submissions do not count toward it. Last evaluated 2017-04-18.

Conditions:
BRAF-related disorder. Also called: BRAF-related condition.
Noonan syndrome and Noonan-related syndrome. Identifiers: Orphanet 98733, MedGen C5681679, MONDO:0020297.
Cardiovascular phenotype. Identifiers: MedGen CN230736.
RASopathy. Also called: rasopathies; Noonan spectrum disorder. Identifiers: Orphanet 536391, MedGen C5555857, MONDO:0021060.
LEOPARD syndrome 3 (LPRD3). Identifiers: Orphanet 500, MedGen C3150971, MONDO:0013380, OMIM 613707.
Noonan syndrome 7 (NS7). Also called: BRAF-Related Noonan Syndrome. Identifiers: Orphanet 648, MedGen C3150970, MONDO:0013379, OMIM 613706.

Allele frequency attached by ClinVar (database versions not stated): gnomAD 0.00030 and 0.00040; gnomAD exomes 0.00030 and 0.00094; TOPMed 0.00051; ExAC 0.00096; 1000 Genomes Project 30x 0.00156; 1000 Genomes Project 0.00160.
gnomAD v4.1: 511 of 1,612,596 alleles (0.032%); highest among the groups gnomAD compares: East Asian, 1%; 2 homozygotes.

Submissions (11):

ClinGen RASopathy Variant Curation Expert Panel
Classification: Benign for Noonan syndrome and Noonan-related syndrome. Last evaluated: 2017-04-18. Review status: reviewed by expert panel. Criteria: ClinGen RASopathy ACMG Specifications v1. Collection method: curation. Allele origin: germline. Inheritance: Autosomal dominant inheritance.
Comment: The filtering allele frequency of the c.2235A>G (p.Leu745=) variant in the BRAF gene is 1.11% (113/8654) of East Asian chromosomes by the Exome Aggregation Consortium, which is a high enough frequency to be classified as benign based on thresholds defined by the ClinGen RASopathy Expert Panel (BA1; PMID:29493581)

Labcorp Genetics (formerly Invitae), Labcorp
Classification: Benign for RASopathy. Last evaluated: 2026-01-28. Review status: criteria provided, single submitter. Criteria: Invitae Variant Classification Sherloc (09022015). Collection method: clinical testing. Allele origin: germline. Not counted in ClinVar's aggregate classification.

CeGaT Center for Human Genetics Tuebingen
Classification: Benign. Last evaluated: 2023-04-01. Review status: criteria provided, single submitter. Criteria: CeGaT Center For Human Genetics Tuebingen Variant Classification Criteria Version 2. Collection method: clinical testing. Allele origin: germline. Affected: yes. Observed: 1 variant allele. Not counted in ClinVar's aggregate classification.
Comment: BRAF: BP4, BP7, BS1, BS2

Ambry Genetics
Classification: Likely benign for Cardiovascular phenotype. Last evaluated: 2022-05-17. Review status: criteria provided, single submitter. Criteria: Ambry Variant Classification Scheme 2023. Collection method: clinical testing. Allele origin: germline. Not counted in ClinVar's aggregate classification.

Genome Diagnostics Laboratory, The Hospital for Sick Children
Classification: Benign for Noonan syndrome and Noonan-related syndrome. Last evaluated: 2021-02-08. Review status: criteria provided, single submitter. Criteria: ACMG Guidelines, 2015. Collection method: clinical testing. Allele origin: germline. Not counted in ClinVar's aggregate classification.

Illumina Laboratory Services, Illumina
Classification: Benign for LEOPARD syndrome 3. Last evaluated: 2018-01-13. Review status: criteria provided, single submitter. Criteria: ICSL Variant Classification Criteria 13 December 2019. Collection method: clinical testing. Allele origin: germline. Not counted in ClinVar's aggregate classification.
Comment: This variant was observed in the ICSL laboratory as part of a predisposition screen in an ostensibly healthy population. It had not been previously curated by ICSL or reported in the Human Gene Mutation Database (HGMD: prior to June 1st, 2018), and was therefore a candidate for classification through an automated scoring system. Utilizing variant allele frequency, disease prevalence and penetrance estimates, and inheritance mode, an automated score was calculated to assess if this variant is too frequent to cause the disease. Based on the score and internal cut-off values, a variant classified as benign is not then subjected to further curation. The score for this variant resulted in a classification of benign for this disease.

Illumina Laboratory Services, Illumina
Classification: Likely benign for Noonan syndrome 7. Last evaluated: 2018-01-13. Review status: criteria provided, single submitter. Criteria: ICSL Variant Classification Criteria 13 December 2019. Collection method: clinical testing. Allele origin: germline. Not counted in ClinVar's aggregate classification.
Comment: This variant was observed in the ICSL laboratory as part of a predisposition screen in an ostensibly healthy population. It had not been previously curated by ICSL or reported in the Human Gene Mutation Database (HGMD: prior to June 1st, 2018), and was therefore a candidate for classification through an automated scoring system. Utilizing variant allele frequency, disease prevalence and penetrance estimates, and inheritance mode, an automated score was calculated to assess if this variant is too frequent to cause the disease. Based on the score and internal cut-off values, a variant classified as likely benign is not then subjected to further curation. The score for this variant resulted in a classification of likely benign for this disease.

Eurofins Ntd Llc (ga)
Classification: Benign. Last evaluated: 2015-04-07. Review status: criteria provided, single submitter. Criteria: EGL Classification Definitions 2015. Collection method: clinical testing. Allele origin: germline. Observed: 1 variant allele, 1 heterozygote. Not counted in ClinVar's aggregate classification.

Laboratory for Molecular Medicine, Mass General Brigham Personalized Medicine
Classification: Benign. Last evaluated: 2015-03-20. Review status: criteria provided, single submitter. Criteria: LMM Criteria. Collection method: clinical testing. Allele origin: germline. Observed: 2 variant alleles. Not counted in ClinVar's aggregate classification.
Comment: p.Leu745Leu in exon 18 of BRAF: This variant is not expected to have clinical si gnificance because it does not alter an amino acid residue, not located within t he splice consensus sequence, and has been identified in 1.3% (113/8654) of East Asian chromosomes by the Exome Aggregation Consortium (ExAC; dbSNP rs56046546).

GeneDx
Classification: Benign. Last evaluated: 2015-03-03. Review status: criteria provided, single submitter. Criteria: GeneDx Variant Classification Process June 2021. Collection method: clinical testing. Allele origin: germline. Affected: yes. Not counted in ClinVar's aggregate classification.

PreventionGenetics, part of Exact Sciences
Classification: Benign for BRAF-related condition. Last evaluated: 2021-09-20. Review status: no assertion criteria provided. Collection method: clinical testing. Allele origin: germline. Not counted in ClinVar's aggregate classification.
Comment: This variant is classified as benign based on ACMG/AMP sequence variant interpretation guidelines (Richards et al. 2015 PMID: 25741868, with internal and published modifications).

Literature cited by the submitters: PubMed 18470943 (cited by Laboratory for Molecular Medicine, Mass General Brigham Personalized Medicine).

NM_004333.6(BRAF):c.2235A>G (p.Leu745=)

Gene: BRAF (B-Raf proto-oncogene, serine/threonine kinase; minus strand). Cytogenetic location: 7q34.
Variant type: single nucleotide variant.
Coding change: c.2235A>G on transcript NM_004333.6 (MANE Select); coding-DNA position 2235, A replaced by G.
Protein change: p.Leu745=; no amino-acid change (leucine 745 retained).
Molecular consequence: synonymous variant. On other transcripts: intron variant (2).
Genome position (GRCh38, 1-based): chr7:140,734,663, T>C on the plus strand (A>G on the coding strand, the complement: BRAF is on the minus strand). VCF-style: chr7-140734663-T-C. GRCh37 (hg19) VCF-style: chr7-140434463-T-C.
Other names: p.L745L; NM_004333.4(BRAF):c.2235A>G; c.2235A>G, p.Leu745= (NM_001354609.2); c.2355A>G, p.Leu785= (NM_001374244.1, NM_001374258.1); c.2244A>G, p.Leu748= (NM_001378467.1); c.2169A>G, p.Leu723= (NM_001378469.1); c.2133A>G, p.Leu711= (NM_001378470.1); c.2124A>G, p.Leu708= (NM_001378471.1); and 3 more.
Identifiers: ClinVar variation 40399 (VCV000040399.54), dbSNP rs56046546, ClinGen allele CA135122.